The following is an entry in ClinVar:

NM_005276.4(GPD1):c.674C>T (p.Ala225Val)

Gene: GPD1 (glycerol-3-phosphate dehydrogenase 1; plus strand). Cytogenetic location: 12q13.12.
Variant type: single nucleotide variant.
Coding change: c.674C>T on transcript NM_005276.4 (MANE Select); coding-DNA position 674, C replaced by T.
Protein change: p.Ala225Val; replaces alanine 225 with valine.
Molecular consequence: missense variant.
Genome position (GRCh38, 1-based): chr12:50,107,628, C>T. VCF-style: chr12-50107628-C-T. GRCh37 (hg19) VCF-style: chr12-50501411-C-T.
Other names: c.605C>T, p.Ala202Val (NM_001257199.2); c.674C>T (NM_005276.2); short protein forms A202V, A225V.
Identifiers: ClinVar variation 1200045 (VCV001200045.7), dbSNP rs201609436, ClinGen allele CA6561728.

ClinVar aggregate classification (germline): Conflicting classifications of pathogenicity. Review status: criteria provided, conflicting classifications (1 of 4 stars). 2 submissions from 2 submitters: Uncertain significance (1); Likely benign (1). Last evaluated 2024-08-08.

Conditions:
Inborn genetic diseases. Identifiers: MedGen C0950123, MeSH D030342.

Allele frequency attached by ClinVar (database versions not stated): gnomAD exomes 0.00004 and 0.00009; ExAC 0.00009; gnomAD 0.00009; TOPMed 0.00012; 1000 Genomes Project 0.00020; 1000 Genomes Project 30x 0.00031.
gnomAD v4.1: 84 of 1,614,102 alleles (0.0052%); highest among the groups gnomAD compares: Admixed American, 0.04%; no homozygotes.

Submissions (2):

GeneDx
Classification: Uncertain significance. Last evaluated: 2024-08-08. Review status: criteria provided, single submitter. Criteria: GeneDx Variant Classification Process June 2021. Collection method: clinical testing. Allele origin: germline. Affected: yes.
Comment: Identified in association with hypertriglyceridemia in published literature (PMID: 36325899); In silico analysis supports that this missense variant has a deleterious effect on protein structure/function; This variant is associated with the following publications: (PMID: 36325899)

Ambry Genetics
Classification: Likely benign for Inborn genetic diseases. Last evaluated: 2022-05-18. Review status: criteria provided, single submitter. Criteria: Ambry Variant Classification Scheme 2023. Collection method: clinical testing. Allele origin: germline.